The following is an entry in ClinVar:

NM_000890.5(KCNJ5):c.622A>G (p.Ile208Val)

Gene: KCNJ5 (potassium inwardly rectifying channel subfamily J member 5; plus strand). Cytogenetic location: 11q24.3.
Variant type: single nucleotide variant.
Coding change: c.622A>G on transcript NM_000890.5 (MANE Select); coding-DNA position 622, A replaced by G.
Protein change: p.Ile208Val; replaces isoleucine 208 with valine.
Molecular consequence: missense variant.
Genome position (GRCh38, 1-based): chr11:128,911,895, A>G. VCF-style: chr11-128911895-A-G. GRCh37 (hg19) VCF-style: chr11-128781790-A-G.
Other names: c.622A>G (LRG_333t1); c.622A>G, p.Ile208Val (NM_001354169.2); short protein forms I208V.
Identifiers: ClinVar variation 526948 (VCV000526948.8), dbSNP rs1555145038, ClinGen allele CA383249370.

ClinVar aggregate classification (germline): Uncertain significance (1 of 4 stars; one submission).

Conditions:
Long QT syndrome (LQTS). Identifiers: MedGen C0023976, MeSH D008133, MONDO:0002442. Disease mechanism: loss of function. Inheritance: Various modes of inheritance.

Submission:

Labcorp Genetics (formerly Invitae), Labcorp
Classification: Uncertain significance for Long QT syndrome. Last evaluated: 2017-12-17. Review status: criteria provided, single submitter. Criteria: Invitae Variant Classification Sherloc (09022015). Collection method: clinical testing. Allele origin: germline.
Comment: In summary, the available evidence is currently insufficient to determine the role of this variant in disease. Therefore, it has been classified as a Variant of Uncertain Significance. Algorithms developed to predict the effect of missense changes on protein structure and function do not agree on the potential impact of this missense change (SIFT: "Deleterious"; PolyPhen-2: "Benign"; Align-GVGD: "Class C25"). This variant has not been reported in the literature in individuals with KCNJ5-related disease. This variant is not present in population databases (ExAC no frequency). This sequence change replaces isoleucine with valine at codon 208 of the KCNJ5 protein (p.Ile208Val). The isoleucine residue is highly conserved and there is a small physicochemical difference between isoleucine and valine.